The following is an entry in ClinVar:

ClinVar aggregate classification (germline): Likely benign (1 of 4 stars; one submission).

Submission:

CeGaT Center for Human Genetics Tuebingen
Classification: Likely benign. Last evaluated: 2023-02-01. Review status: criteria provided, single submitter. Criteria: CeGaT Center For Human Genetics Tuebingen Variant Classification Criteria Version 2. Collection method: clinical testing. Allele origin: germline. Affected: yes. Observed: 1 variant allele.
Comment: SEC63: PM2:Supporting, BP4, BP7

NM_007214.5(SEC63):c.1041C>G (p.Ala347=)

Gene: SEC63 (SEC63 protein translocation regulator; minus strand). Cytogenetic location: 6q21.
Variant type: single nucleotide variant.
Coding change: c.1041C>G on transcript NM_007214.5 (MANE Select); coding-DNA position 1041, C replaced by G.
Protein change: p.Ala347=; no amino-acid change (alanine 347 retained).
Molecular consequence: synonymous variant.
Genome position (GRCh38, 1-based): chr6:107,904,642, G>C on the plus strand (C>G on the coding strand, the complement: SEC63 is on the minus strand). VCF-style: chr6-107904642-G-C. GRCh37 (hg19) VCF-style: chr6-108225846-G-C.
Identifiers: ClinVar variation 2656820 (VCV002656820.24), dbSNP rs751883776, ClinGen allele CA451420557.